The following is an entry in ClinVar:

NM_177438.3(DICER1):c.4030T>G (p.Ser1344Ala)

Gene: DICER1 (dicer 1, ribonuclease III; minus strand). Cytogenetic location: 14q32.13.
Variant type: single nucleotide variant.
Coding change: c.4030T>G on transcript NM_177438.3 (MANE Select); coding-DNA position 4030, T replaced by G.
Protein change: p.Ser1344Ala; replaces serine 1344 with alanine.
Molecular consequence: missense variant.
Genome position (GRCh38, 1-based): chr14:95,103,366, A>C on the plus strand (T>G on the coding strand, the complement: DICER1 is on the minus strand). VCF-style: chr14-95103366-A-C. GRCh37 (hg19) VCF-style: chr14-95569703-A-C.
Other names: c.4030T>G, p.Ser1344Ala (NM_001195573.1, NM_001271282.3, NM_001291628.2 and 1 more transcripts); short protein forms S1344A.
Identifiers: ClinVar variation 824522 (VCV000824522.5), dbSNP rs1595363710, ClinGen allele CA390872920.

ClinVar aggregate classification (germline): Uncertain significance (1 of 4 stars; one submission).

Conditions:
Hereditary cancer-predisposing syndrome. Also called: Tumor predisposition; Hereditary neoplastic syndrome; Neoplastic Syndromes, Hereditary; Hereditary Cancer Syndrome. Identifiers: Orphanet 140162, MedGen C0027672, MeSH D009386, MONDO:0015356.

Submission:

Ambry Genetics
Classification: Uncertain significance for Hereditary cancer-predisposing syndrome. Last evaluated: 2026-08-11. Review status: criteria provided, single submitter. Criteria: Ambry Variant Classification Scheme 2023. Collection method: clinical testing. Allele origin: germline.
Comment: The p.S1344A variant (also known as c.4030T>G), located in coding exon 20 of the DICER1 gene, results from a T to G substitution at nucleotide position 4030. The serine at codon 1344 is replaced by alanine, an amino acid with similar properties. This variant resides in the metal ion-binding residue located in the RNase IIIb domain of the DICER1, that is defined as a mutational hotspot and critical functional domain (de Kock L et al. Hum Mutat, 2019 Nov;40:1939-1953). This amino acid position is highly conserved in available vertebrate species. In addition, the in silico prediction for this alteration is inconclusive. Based on the available evidence, the clinical significance of this variant remains unclear.